The following is an entry in ClinVar:

NM_201384.3(PLEC):c.12282C>T (p.Asn4094=)

Gene: PLEC (plectin; minus strand). Cytogenetic location: 8q24.3.
Variant type: single nucleotide variant.
Coding change: c.12282C>T on transcript NM_201384.3 (MANE Select); coding-DNA position 12282, C replaced by T.
Protein change: p.Asn4094=; no amino-acid change (asparagine 4094 retained).
Molecular consequence: synonymous variant.
Genome position (GRCh38, 1-based): chr8:143,917,539, G>A on the plus strand (C>T on the coding strand, the complement: PLEC is on the minus strand). VCF-style: chr8-143917539-G-A. GRCh37 (hg19) VCF-style: chr8-144991707-G-A.
Other names: c.12363C>T, p.Asn4121= (NM_000445.5); c.12240C>T, p.Asn4080= (NM_201378.4); c.12216C>T, p.Asn4072= (NM_201379.3); c.12693C>T, p.Asn4231= (NM_201380.4); c.12186C>T, p.Asn4062= (NM_201381.3); c.12282C>T, p.Asn4094= (NM_201382.4); c.12294C>T, p.Asn4098= (NM_201383.3); c.12363C>T (NM_000445.4).
Identifiers: ClinVar variation 489368 (VCV000489368.8), dbSNP rs536268706, ClinGen allele CA4924126.

ClinVar aggregate classification (germline): Conflicting classifications of pathogenicity. Review status: criteria provided, conflicting classifications (1 of 4 stars). 3 submissions from 3 submitters: Uncertain significance (1); Likely benign (2). Last evaluated 2026-03-05.

Conditions:
Autosomal recessive limb-girdle muscular dystrophy type 2Q (LGMDR17). Also called: MUSCULAR DYSTROPHY, LIMB-GIRDLE, AUTOSOMAL RECESSIVE 17. Identifiers: Orphanet 254361, MedGen C3150989, MONDO:0013390, OMIM 613723.
Epidermolysis bullosa simplex 5B, with muscular dystrophy (EBS5B). Also called: EPIDERMOLYSIS BULLOSA SIMPLEX AND LIMB-GIRDLE MUSCULAR DYSTROPHY; Epidermolysis bullosa simplex with muscular dystrophy. Identifiers: Orphanet 257, MedGen C2931072, MONDO:0009181, OMIM 226670.
Epidermolysis bullosa simplex, Ogna type (EBS5A). Also called: Pidermolysis bullosa simplex 5A, Ogna type; EPIDERMOLYSIS BULLOSA SIMPLEX 5A, OGNA TYPE. Identifiers: Orphanet 79401, MedGen C0432317, MONDO:0007555, OMIM 131950.
Epidermolysis bullosa simplex with nail dystrophy (EBS5D). Identifiers: MedGen C4225309, MONDO:0014661, OMIM 616487.
Epidermolysis bullosa simplex 5C, with pyloric atresia (EBS5C). Also called: PLEC-Related Epidermolysis Bullosa with Pyloric Atresia; Epidermolysis bullosa simplex with pyloric atresia; PLEC1-Related Epidermolysis Bullosa with Pyloric Atresia. Identifiers: Orphanet 158684, MedGen C2677349, MONDO:0012807, OMIM 612138.
PLEC-related disorder. Also called: PLEC-related disorders; PLEC-related condition.

Allele frequency attached by ClinVar (database versions not stated): gnomAD 0.00001 and 0.00004; TOPMed 0.00001; gnomAD exomes 0.00008; ExAC 0.00011; 1000 Genomes Project 30x 0.00016; 1000 Genomes Project 0.00020.
gnomAD v4.1: 62 of 1,613,974 alleles (0.0038%); highest among the groups gnomAD compares: South Asian, 0.041%; no homozygotes.

Submissions (3):

PreventionGenetics, part of Exact Sciences
Classification: Likely benign for PLEC-related condition. Last evaluated: 2026-03-05. Review status: criteria provided, single submitter. Criteria: ACMG Guidelines, 2015. Collection method: clinical testing. Allele origin: germline.
Comment: This variant is classified as likely benign based on ACMG/AMP sequence variant interpretation guidelines (Richards et al. 2015 PMID: 25741868, with internal and published modifications).

Labcorp Genetics (formerly Invitae), Labcorp
Classification: Likely benign for Autosomal recessive limb-girdle muscular dystrophy type 2Q; Epidermolysis bullosa simplex, Ogna type; Epidermolysis bullosa simplex with nail dystrophy; Epidermolysis bullosa simplex 5C, with pyloric atresia; Epidermolysis bullosa simplex 5B, with muscular dystrophy. Last evaluated: 2024-06-09. Review status: criteria provided, single submitter. Criteria: Invitae Variant Classification Sherloc (09022015). Collection method: clinical testing. Allele origin: germline.

GeneDx
Classification: Uncertain significance. Last evaluated: 2018-01-29. Review status: criteria provided, single submitter. Criteria: GeneDx Variant Classification (06012015). Collection method: clinical testing. Allele origin: germline. Affected: yes.
Comment: The c.12363 C>T nucleotide change results in a synonymous amino acid substitution at a position that is conserved across species. Multiple in-silico splice prediction models predict this variant would not alter gene splicing; however, in the absence of RNA/functional studies, the actual effect of this sequence change in this individual is unknown. The c.12363 C>T variant is observed in 8/30,782 (0.03%) alleles from individuals of South Asian background (Lek et al., 2016).